The following is an entry in ClinVar:

ClinVar aggregate classification (germline): Uncertain significance (1 of 4 stars; one submission).

Submission:

Labcorp Genetics (formerly Invitae), Labcorp
Classification: Uncertain significance. Last evaluated: 2020-10-28. Review status: criteria provided, single submitter. Criteria: Invitae Variant Classification Sherloc (09022015). Collection method: clinical testing. Allele origin: germline.
Comment: This variant, c.3893_3904del, results in the deletion of 4 amino acid(s) of the MYO5B protein (p.Val1298_Glu1301del), but otherwise preserves the integrity of the reading frame. This variant is not present in population databases (ExAC no frequency). This variant has not been reported in the literature in individuals with MYO5B-related conditions. Experimental studies and prediction algorithms are not available or were not evaluated, and the functional significance of this variant is currently unknown. In summary, the available evidence is currently insufficient to determine the role of this variant in disease. Therefore, it has been classified as a Variant of Uncertain Significance.

NM_001080467.3(MYO5B):c.3893_3904del (p.Val1298_Glu1301del)

Gene: MYO5B (myosin VB; minus strand). Cytogenetic location: 18q21.1.
Variant type: Deletion.
Coding change: c.3893_3904del on transcript NM_001080467.3 (MANE Select); coding-DNA positions 3893 to 3904, 12 bases deleted (TTGACCAGGAGG).
Protein change: p.Val1298_Glu1301del.
Molecular consequence: inframe deletion.
Genome position (GRCh38, 1-based): chr18:49,863,267-49,863,278, CCTCCTGGTCAA deleted on the plus strand (TTGACCAGGAGG on the coding strand, the reverse complement: MYO5B is on the minus strand); deleting any 12 consecutive bases within chr18:49,863,267-49,863,279 gives the same sequence; the c. name uses the placement nearest the transcript's 3' end. VCF-style (leftmost placement, unchanged base first): chr18-49863266-TCCTCCTGGTCAA-T. GRCh37 (hg19) VCF-style: chr18-47389636-TCCTCCTGGTCAA-T.
Identifiers: ClinVar variation 1006474 (VCV001006474.8), dbSNP rs2024353640, ClinGen allele CA2302421219.